The following is an entry in ClinVar:

ClinVar aggregate classification (germline): Uncertain significance. Review status: criteria provided, multiple submitters, no conflicts (2 of 4 stars). 2 submissions from 2 submitters: Uncertain significance (2). Last evaluated 2026-07-07.

Conditions:
DICER1-related tumor predisposition. Also called: DICER1 syndrome; DICER1-related pleuropulmonary blastoma cancer predisposition syndrome. Identifiers: Orphanet 284343, MedGen C3839822, MONDO:0100216.
Hereditary cancer-predisposing syndrome. Also called: Tumor predisposition; Hereditary Cancer Syndrome; Hereditary neoplastic syndrome; Neoplastic Syndromes, Hereditary. Identifiers: Orphanet 140162, MedGen C0027672, MeSH D009386, MONDO:0015356.

Submissions (2):

Ambry Genetics
Classification: Uncertain significance for Hereditary cancer-predisposing syndrome. Last evaluated: 2026-07-07. Review status: criteria provided, single submitter. Criteria: Ambry Variant Classification Scheme 2023. Collection method: clinical testing. Allele origin: germline.
Comment: The p.L1156F variant (also known as c.3468G>T), located in coding exon 20 of the DICER1 gene, results from a G to T substitution at nucleotide position 3468. The leucine at codon 1156 is replaced by phenylalanine, an amino acid with highly similar properties. This amino acid position is conserved. In addition, this alteration is predicted to be tolerated by in silico analysis. Based on the available evidence, the clinical significance of this variant remains unclear.

Labcorp Genetics (formerly Invitae), Labcorp
Classification: Uncertain significance for DICER1-related tumor predisposition. Last evaluated: 2022-05-04. Review status: criteria provided, single submitter. Criteria: Invitae Variant Classification Sherloc (09022015). Collection method: clinical testing. Allele origin: germline.
Comment: This variant has not been reported in the literature in individuals affected with DICER1-related conditions. In summary, the available evidence is currently insufficient to determine the role of this variant in disease. Therefore, it has been classified as a Variant of Uncertain Significance. Algorithms developed to predict the effect of missense changes on protein structure and function (SIFT, PolyPhen-2, Align-GVGD) all suggest that this variant is likely to be tolerated. This variant is not present in population databases (gnomAD no frequency). This sequence change replaces leucine, which is neutral and non-polar, with phenylalanine, which is neutral and non-polar, at codon 1156 of the DICER1 protein (p.Leu1156Phe).

NM_177438.3(DICER1):c.3468G>T (p.Leu1156Phe)

Gene: DICER1 (dicer 1, ribonuclease III; minus strand). Cytogenetic location: 14q32.13.
Variant type: single nucleotide variant.
Coding change: c.3468G>T on transcript NM_177438.3 (MANE Select); coding-DNA position 3468, G replaced by T.
Protein change: p.Leu1156Phe; replaces leucine 1156 with phenylalanine.
Molecular consequence: missense variant. On other transcripts: non-coding transcript variant (6).
Genome position (GRCh38, 1-based): chr14:95,103,928, C>A on the plus strand (G>T on the coding strand, the complement: DICER1 is on the minus strand). VCF-style: chr14-95103928-C-A. GRCh37 (hg19) VCF-style: chr14-95570265-C-A.
Other names: c.3468G>T, p.Leu1156Phe (NM_001195573.1, NM_001271282.3, NM_001291628.2 and 13 more transcripts); c.3186G>T, p.Leu1062Phe (NM_001395686.1); c.3063G>T, p.Leu1021Phe (NM_001395687.1, NM_001395688.1, NM_001395689.1 and 2 more transcripts); c.2901G>T, p.Leu967Phe (NM_001395691.1); c.1785G>T, p.Leu595Phe (NM_001395697.1); short protein forms L1062F, L967F, L595F, L1021F, L1156F.
Identifiers: ClinVar variation 2117228 (VCV002117228.5), dbSNP rs2139967894, ClinGen allele CA390875304.